The following is an entry in ClinVar:

ClinVar aggregate classification (germline): Uncertain significance (1 of 4 stars; one submission).

Conditions:
Fetal akinesia deformation sequence 1 (FADS1). Also called: Pena-Shokeir syndrome type I; Fetal akinesia sequence. Identifiers: Orphanet 994, MedGen C1276035, MONDO:0100101, OMIM 208150, HP:0001989.
Congenital myasthenic syndrome 10. Also called: Myasthenia, limb-girdle, familial. Identifiers: Orphanet 590, MedGen C1850792, MONDO:0009690, OMIM 254300.

Submission:

Labcorp Genetics (formerly Invitae), Labcorp
Classification: Uncertain significance for Congenital myasthenic syndrome 10; Fetal akinesia deformation sequence 1. Last evaluated: 2020-02-21. Review status: criteria provided, single submitter. Criteria: Invitae Variant Classification Sherloc (09022015). Collection method: clinical testing. Allele origin: germline.
Comment: In summary, the available evidence is currently insufficient to determine the role of this variant in disease. Therefore, it has been classified as a Variant of Uncertain Significance. Algorithms developed to predict the effect of missense changes on protein structure and function output the following: SIFT: "Tolerated"; PolyPhen-2: "Possibly Damaging"; Align-GVGD: "Class C0". The aspartic acid amino acid residue is found in multiple mammalian species, suggesting that this missense change does not adversely affect protein function. These predictions have not been confirmed by published functional studies and their clinical significance is uncertain. This variant has not been reported in the literature in individuals with DOK7-related disease. This variant is not present in population databases (ExAC no frequency). This sequence change replaces glycine with aspartic acid at codon 436 of the DOK7 protein (p.Gly436Asp). The glycine residue is weakly conserved and there is a moderate physicochemical difference between glycine and aspartic acid.

NM_173660.5(DOK7):c.1307G>A (p.Gly436Asp)

Gene: DOK7 (docking protein 7; plus strand). Cytogenetic location: 4p16.3.
Variant type: single nucleotide variant.
Coding change: c.1307G>A on transcript NM_173660.5 (MANE Select); coding-DNA position 1307, G replaced by A.
Protein change: p.Gly436Asp; replaces glycine 436 with aspartic acid.
Molecular consequence: missense variant. On other transcripts: 3 prime UTR variant (1).
Genome position (GRCh38, 1-based): chr4:3,493,293, G>A. VCF-style: chr4-3493293-G-A. GRCh37 (hg19) VCF-style: chr4-3495020-G-A.
Other names: c.*528G>A (NM_001164673.2); c.377G>A, p.Gly126Asp (NM_001256896.2); c.1307G>A, p.Gly436Asp (NM_001301071.2); c.875G>A, p.Gly292Asp (NM_001363811.2); short protein forms G292D, G436D, G126D.
Identifiers: ClinVar variation 660710 (VCV000660710.9), dbSNP rs1458938692, ClinGen allele CA356117734.